The following is an entry in ClinVar:

NM_003200.5(TCF3):c.1094-2A>T

Gene: TCF3 (transcription factor 3; minus strand). Cytogenetic location: 19p13.3.
Variant type: single nucleotide variant.
Coding change: c.1094-2A>T on transcript NM_003200.5 (MANE Select); the canonical splice acceptor site of the intron before coding-DNA position 1094, A replaced by T.
Molecular consequence: splice acceptor variant.
Genome position (GRCh38, 1-based): chr19:1,619,855, T>A on the plus strand (A>T on the coding strand, the complement: TCF3 is on the minus strand). VCF-style: chr19-1619855-T-A. GRCh37 (hg19) VCF-style: chr19-1619854-T-A.
Other names: c.1094-2A>T (NM_001351778.2, NM_001136139.4, NM_001351779.2).
Identifiers: ClinVar variation 2029712 (VCV002029712.4), dbSNP rs2513527846, ClinGen allele CA403053918.

ClinVar aggregate classification (germline): Likely pathogenic (1 of 4 stars; one submission).

Submission:

Labcorp Genetics (formerly Invitae), Labcorp
Classification: Likely pathogenic. Last evaluated: 2024-09-16. Review status: criteria provided, single submitter. Criteria: Invitae Variant Classification Sherloc (09022015). Collection method: clinical testing. Allele origin: germline.
Comment: This sequence change affects an acceptor splice site in intron 13 of the TCF3 gene. It is expected to disrupt RNA splicing. Variants that disrupt the donor or acceptor splice site typically lead to a loss of protein function (PMID: 16199547), and loss-of-function variants in TCF3 are known to be pathogenic (PMID: 24216514, 30063982, 37277074). This variant is not present in population databases (gnomAD no frequency). This variant has not been reported in the literature in individuals affected with TCF3-related conditions. ClinVar contains an entry for this variant (Variation ID: 2029712). Algorithms developed to predict the effect of sequence changes on RNA splicing suggest that this variant may disrupt the consensus splice site. In summary, the currently available evidence indicates that the variant is pathogenic, but additional data are needed to prove that conclusively. Therefore, this variant has been classified as Likely Pathogenic.

Literature cited by the submitters: PubMed 16199547; PubMed 24216514; PubMed 30063982; PubMed 37277074.